The following is an entry in ClinVar:

NM_001378454.1(ALMS1):c.647-2A>T

Gene: ALMS1 (ALMS1 centrosome and basal body associated protein; plus strand). Cytogenetic location: 2p13.1.
Variant type: single nucleotide variant.
Coding change: c.647-2A>T on transcript NM_001378454.1 (MANE Select); the canonical splice acceptor site of the intron before coding-DNA position 647, A replaced by T.
Molecular consequence: splice acceptor variant.
Genome position (GRCh38, 1-based): chr2:73,422,855, A>T. VCF-style: chr2-73422855-A-T. GRCh37 (hg19) VCF-style: chr2-73649983-A-T.
Other names: c.647-2A>T (NM_015120.4).
Identifiers: ClinVar variation 1067677 (VCV001067677.7), dbSNP rs1671310097, ClinGen allele CA347259898.

ClinVar aggregate classification (germline): Likely pathogenic (1 of 4 stars; one submission).

Conditions:
Alstrom syndrome (ALMS). Identifiers: Orphanet 64, MedGen C0268425, MONDO:0008763, OMIM 203800.

Submission:

Labcorp Genetics (formerly Invitae), Labcorp
Classification: Likely pathogenic for Alstrom syndrome. Last evaluated: 2020-10-08. Review status: criteria provided, single submitter. Criteria: Invitae Variant Classification Sherloc (09022015). Collection method: clinical testing. Allele origin: germline.
Comment: Donor and acceptor splice site variants typically lead to a loss of protein function (PMID: 16199547), and loss-of-function variants in ALMS1 are known to be pathogenic (PMID: 17594715). This sequence change affects an acceptor splice site in intron 3 of the ALMS1 gene. It is expected to disrupt RNA splicing and likely results in an absent or disrupted protein product. This variant is not present in population databases (ExAC no frequency). This variant has not been reported in the literature in individuals with ALMS1-related conditions. Algorithms developed to predict the effect of sequence changes on RNA splicing suggest that this variant may disrupt the consensus splice site, but this prediction has not been confirmed by published transcriptional studies. In summary, the currently available evidence indicates that the variant is pathogenic, but additional data are needed to prove that conclusively. Therefore, this variant has been classified as Likely Pathogenic.

Literature cited by the submitters: PubMed 16199547; PubMed 17594715.